The following is an entry in ClinVar:

NM_015160.3(PMPCA):c.1215A>G (p.Val405=)

Gene: PMPCA (peptidase, mitochondrial processing subunit alpha; plus strand). Cytogenetic location: 9q34.3.
Variant type: single nucleotide variant.
Coding change: c.1215A>G on transcript NM_015160.3 (MANE Select); coding-DNA position 1215, A replaced by G.
Protein change: p.Val405=; no amino-acid change (valine 405 retained).
Molecular consequence: synonymous variant.
Genome position (GRCh38, 1-based): chr9:136,419,058, A>G. VCF-style: chr9-136419058-A-G. GRCh37 (hg19) VCF-style: chr9-139313510-A-G.
Other names: c.822A>G, p.Val274= (NM_001282944.2); c.915A>G, p.Val305= (NM_001282946.2).
Identifiers: ClinVar variation 3620077 (VCV003620077.15).

ClinVar aggregate classification (germline): Likely benign. Review status: criteria provided, multiple submitters, no conflicts (2 of 4 stars). 2 submissions from 2 submitters: Likely benign (2). Last evaluated 2025-01-01.

gnomAD v4.1: 2 of 1,614,046 alleles (0.00012%); highest among the groups gnomAD compares: East Asian, 0.0022%; no homozygotes.

Submissions (2):

CeGaT Center for Human Genetics Tuebingen
Classification: Likely benign. Last evaluated: 2025-01-01. Review status: criteria provided, single submitter. Criteria: CeGaT Center For Human Genetics Tuebingen Variant Classification Criteria Version 2. Collection method: clinical testing. Allele origin: germline. Affected: yes. Observed: 1 variant allele.
Comment: PMPCA: BP4, BP7

Labcorp Genetics (formerly Invitae), Labcorp
Classification: Likely benign. Last evaluated: 2024-05-15. Review status: criteria provided, single submitter. Criteria: Invitae Variant Classification Sherloc (09022015). Collection method: clinical testing. Allele origin: germline.